The following is an entry in ClinVar:

ClinVar aggregate classification (germline): Conflicting classifications of pathogenicity. Review status: criteria provided, conflicting classifications (1 of 4 stars). 2 submissions from 2 submitters: Uncertain significance (1); Likely benign (1). Last evaluated 2023-06-29.

Conditions:
Combined deficiency of sialidase AND beta galactosidase (GSL). Also called: CATHEPSIN A DEFICIENCY; GOLDBERG SYNDROME; NEURAMINIDASE DEFICIENCY WITH BETA-GALACTOSIDASE DEFICIENCY; NEURAMINIDASE/BETA-GALACTOSIDASE EXPRESSION; PPCA DEFICIENCY; PROTECTIVE PROTEIN/CATHEPSIN A DEFICIENCY. Identifiers: Orphanet 351, MedGen C0268233, MONDO:0009737, OMIM 256540.
Inborn genetic diseases. Identifiers: MedGen C0950123, MeSH D030342.

Allele frequency attached by ClinVar (database versions not stated): gnomAD 0.00004 and 0.00009; TOPMed 0.00005; gnomAD exomes 0.00010; ExAC 0.00012; ESP Exome Variant Server 0.00023; 1000 Genomes Project 30x 0.00094; 1000 Genomes Project 0.00100.
gnomAD v4.1: 53 of 1,614,178 alleles (0.0033%); highest among the groups gnomAD compares: East Asian, 0.027%; no homozygotes.

Submissions (2):

Ambry Genetics
Classification: Likely benign for Inborn genetic diseases. Last evaluated: 2023-06-29. Review status: criteria provided, single submitter. Criteria: Ambry Variant Classification Scheme 2023. Collection method: clinical testing. Allele origin: germline.

Labcorp Genetics (formerly Invitae), Labcorp
Classification: Uncertain significance for Combined deficiency of sialidase AND beta galactosidase. Last evaluated: 2022-09-02. Review status: criteria provided, single submitter. Criteria: Invitae Variant Classification Sherloc (09022015). Collection method: clinical testing. Allele origin: germline.
Comment: This sequence change replaces alanine, which is neutral and non-polar, with proline, which is neutral and non-polar, at codon 355 of the CTSA protein (p.Ala355Pro). This variant is present in population databases (rs374059459, gnomAD 0.08%). This variant has not been reported in the literature in individuals affected with CTSA-related conditions. ClinVar contains an entry for this variant (Variation ID: 529231). Algorithms developed to predict the effect of missense changes on protein structure and function output the following: SIFT: "Not Available"; PolyPhen-2: "Benign"; Align-GVGD: "Not Available". The proline amino acid residue is found in multiple mammalian species, which suggests that this missense change does not adversely affect protein function. In summary, the available evidence is currently insufficient to determine the role of this variant in disease. Therefore, it has been classified as a Variant of Uncertain Significance.

NM_000308.4(CTSA):c.1009G>C (p.Ala337Pro)

Gene: CTSA (cathepsin A; plus strand). Cytogenetic location: 20q13.12.
Variant type: single nucleotide variant.
Coding change: c.1009G>C on transcript NM_000308.4 (MANE Select); coding-DNA position 1009, G replaced by C.
Protein change: p.Ala337Pro; replaces alanine 337 with proline.
Molecular consequence: missense variant. On other transcripts: non-coding transcript variant (1).
Genome position (GRCh38, 1-based): chr20:45,895,054, G>C. VCF-style: chr20-45895054-G-C. GRCh37 (hg19) VCF-style: chr20-44523693-G-C.
Other names: c.1009G>C, p.Ala337Pro (NM_001127695.3); c.958G>C, p.Ala320Pro (NM_001167594.3); c.1063G>C (NM_000308.2); short protein forms A355P, A337P, A320P.
Identifiers: ClinVar variation 529231 (VCV000529231.5), dbSNP rs374059459, ClinGen allele CA9883248.